The following is an entry in ClinVar:

NM_170707.4(LMNA):c.135C>G (p.Tyr45Ter)

Gene: LMNA (lamin A/C; plus strand). Cytogenetic location: 1q22.
Variant type: single nucleotide variant.
Coding change: c.135C>G on transcript NM_170707.4 (MANE Select); coding-DNA position 135, C replaced by G.
Protein change: p.Tyr45Ter; replaces tyrosine 45 with a stop codon.
Molecular consequence: nonsense.
Genome position (GRCh38, 1-based): chr1:156,115,053, C>G. VCF-style: chr1-156115053-C-G. GRCh37 (hg19) VCF-style: chr1-156084844-C-G.
Other names: c.135C>G, p.Tyr45Ter (NM_001282625.2, NM_001282626.2, NM_005572.4 and 1 more transcripts); short protein forms Y45*.
Identifiers: ClinVar variation 1453621 (VCV001453621.6), dbSNP rs2102817698, ClinGen allele CA342807859.

ClinVar aggregate classification (germline): Pathogenic (1 of 4 stars; one submission).

Conditions:
Charcot-Marie-Tooth disease type 2. Also called: Charcot-Marie-Tooth type 2. Identifiers: Orphanet 64746, MedGen C0270914, MONDO:0018993.

Submission:

Labcorp Genetics (formerly Invitae), Labcorp
Classification: Pathogenic for Charcot-Marie-Tooth disease type 2. Last evaluated: 2022-06-09. Review status: criteria provided, single submitter. Criteria: Invitae Variant Classification Sherloc (09022015). Collection method: clinical testing. Allele origin: germline.
Comment: For these reasons, this variant has been classified as Pathogenic. Algorithms developed to predict the effect of sequence changes on RNA splicing suggest that this variant may create or strengthen a splice site. This variant has not been reported in the literature in individuals affected with LMNA-related conditions. This variant is not present in population databases (gnomAD no frequency). This sequence change creates a premature translational stop signal (p.Tyr45*) in the LMNA gene. It is expected to result in an absent or disrupted protein product. Loss-of-function variants in LMNA are known to be pathogenic (PMID: 18585512, 18926329).

Literature cited by the submitters: PubMed 18585512; PubMed 18926329.